The following is an entry in ClinVar:

ClinVar aggregate classification (germline): Likely pathogenic (1 of 4 stars; one submission).

Conditions:
Male infertility. Identifiers: MedGen C0021364, MeSH D007248, MONDO:0005372, HP:0003251.

Submission:

Institute of Reproductive Genetics, University of Münster
Classification: Likely pathogenic for Male infertility. Last evaluated: 2024-11-06. Review status: criteria provided, single submitter. Criteria: Uk Practice Guidelines For Variant Classification V4 01 2020. Collection method: research. Allele origin: de novo. Observed: 1 variant allele.
Comment: PVS1_strong, PM2_moderate, PM6_supporting

NM_021951.3(DMRT1):c.968-11_977del

Gene: DMRT1 (doublesex and mab-3 related transcription factor 1; plus strand). Cytogenetic location: 9p24.3.
Variant type: Deletion.
Coding change: c.968-11_977del on transcript NM_021951.3 (MANE Select); 11 bases into the intron before coding-DNA position 968 through coding-DNA position 977, 21 bases deleted (TCACTTCGCAGTATTCTCGCC).
Molecular consequence: splice acceptor variant.
Genome position (GRCh38, 1-based): chr9:967,974-967,994, TCACTTCGCAGTATTCTCGCC deleted; deleting any 21 consecutive bases within chr9:967,972-967,994 gives the same sequence; the c. name uses the placement nearest the transcript's 3' end. VCF-style (leftmost placement, unchanged base first): chr9-967971-ACCTCACTTCGCAGTATTCTCG-A. GRCh37 (hg19) VCF-style: chr9-967971-ACCTCACTTCGCAGTATTCTCG-A.
Other names: c.494-11_503del (NM_001363767.1).
Identifiers: ClinVar variation 3376120 (VCV003376120.1).